The following is an entry in ClinVar:

NM_007103.4(NDUFV1):c.1162+4A>C

Genes: NDUFV1 (NADH:ubiquinone oxidoreductase core subunit V1; plus strand), LOC126861242 (CDK7 strongly-dependent group 2 enhancer GRCh37_chr11:67379204-67380403; plus strand). Cytogenetic location: 11q13.2.
Variant type: single nucleotide variant.
Coding change: c.1162+4A>C on transcript NM_007103.4 (MANE Select); 4 bases into the intron after coding-DNA position 1162, A replaced by C.
Molecular consequence: intron variant.
Genome position (GRCh38, 1-based): chr11:67,611,982, A>C. VCF-style: chr11-67611982-A-C. GRCh37 (hg19) VCF-style: chr11-67379453-A-C.
Other names: IVS8DS, A-C, +4; c.1135+4A>C (NM_001166102.2).
Identifiers: ClinVar variation 372716 (VCV000372716.11), dbSNP rs199683937, ClinGen allele CA6143415.
Genomic context (GRCh38, chr11:67,611,982, plus strand): 5'-GCCTCATTGAGTTCTATAAGCACGAGAGCTGTGGCCAGTGTACCCCATGCCGTGAGGGTG[A>C]GCATCGGGCAGGTTGGGGGCTTGCTTGCTGTGGCTTCATTTAACCTCCTCCCCACCACGT-3'

ClinVar aggregate classification (germline): Pathogenic/Likely pathogenic. Review status: criteria provided, multiple submitters, no conflicts (2 of 4 stars). 7 submissions from 6 submitters: Pathogenic (4); Likely pathogenic (2). 1 of the submissions does not count toward it. Last evaluated 2026-01-19.

Conditions:
NDUFV1-related disorder. Also called: NDUFV1-related condition; NDUFV1-related disorders.
Leigh syndrome (NULS). Also called: Leigh Disease; Subacute necrotizing encephalopathy; Necrotizing encephalopathy infantile subacute of Leigh; Leigh's necrotizing encephalopathy; Leigh's disease; Leigh's syndrome. Identifiers: Orphanet 506, MedGen C2931891, MONDO:0009723, OMIM 256000.
Mitochondrial complex I deficiency, nuclear type 1. Also called: NADH-COENZYME Q REDUCTASE DEFICIENCY; MITOCHONDRIAL NADH DEHYDROGENASE COMPONENT OF COMPLEX I, DEFICIENCY OF. Identifiers: MedGen C6022305, MONDO:0100224, OMIM 252010.
Mitochondrial complex I deficiency, nuclear type 4. Also called: Mitochondrial complex 1 deficiency, nuclear type 4. Identifiers: MedGen C4748753, MONDO:0032609, OMIM 618225.

Allele frequency attached by ClinVar (database versions not stated): ESP Exome Variant Server 0.00008; 1000 Genomes Project 0.00040; 1000 Genomes Project 30x 0.00047; ExAC 0.00003; gnomAD 0.00005 and 0.00006; gnomAD exomes 0.00005 and 0.00006; TOPMed 0.00006.

Submissions (7):

Labcorp Genetics (formerly Invitae), Labcorp
Classification: Pathogenic. Last evaluated: 2026-01-19. Review status: criteria provided, single submitter. Criteria: Invitae Variant Classification Sherloc (09022015). Collection method: clinical testing. Allele origin: germline.
Comment: This sequence change falls in intron 8 of the NDUFV1 gene. It does not directly change the encoded amino acid sequence of the NDUFV1 protein. It affects a nucleotide within the consensus splice site. This variant is present in population databases (rs199683937, gnomAD 0.03%). This variant has been observed in individual(s) with clinical features of mitochondrial complex I deficiency (PMID: 11349233, 26024641, 27344648, 34134969; internal data). In at least one individual the data is consistent with being in trans (on the opposite chromosome) from a pathogenic variant. This variant is also known as 1192+4A>C . ClinVar contains an entry for this variant (Variation ID: 372716). Variants that disrupt the consensus splice site are a relatively common cause of aberrant splicing (PMID: 17576681, 9536098). Algorithms developed to predict the effect of sequence changes on RNA splicing suggest that this variant may disrupt the consensus splice site. For these reasons, this variant has been classified as Pathogenic.

Fulgent Genetics
Classification: Pathogenic for Mitochondrial complex I deficiency, nuclear type 4. Last evaluated: 2024-05-03. Review status: criteria provided, single submitter. Criteria: ACMG Guidelines, 2015. Collection method: clinical testing. Allele origin: germline.

Blueprint Genetics
Classification: Pathogenic for NDUFV1-related disorders. Last evaluated: 2024-02-21. Review status: criteria provided, single submitter. Criteria: ACMG Guidelines, 2015. Collection method: clinical testing. Allele origin: germline. Affected: yes. Observed: 5 variant alleles.

Women's Health and Genetics/Laboratory Corporation of America, LabCorp
Classification: Likely pathogenic for Leigh syndrome. Last evaluated: 2021-10-06. Review status: criteria provided, single submitter. Criteria: LabCorp Variant Classification Summary - May 2015. Collection method: clinical testing. Allele origin: germline.
Comment: Variant summary: NDUFV1 c.1162+4A>C alters a conserved nucleotide located close to a canonical splice site and therefore could affect mRNA splicing, leading to a significantly altered protein sequence. Several computational tools predict a significant impact on normal splicing: two predict the variant abolishes a 5' splicing donor site, while two predict the variant weakens a 5' donor site. At least one publication reports experimental evidence that this variant affects mRNA splicing, and demonstrated exon 8 skipping (Nafisinia_2016). The variant allele was found at a frequency of 6e-05 in 251302 control chromosomes (gnomAD). This frequency is not higher than expected for a pathogenic variant in NDUFV1 causing Leigh Syndrome (0.0013), allowing no conclusion about variant significance. c.1162+4A>C has been reported in the literature in multiple compound heterozygous individuals affected with Leigh Syndrome (Benit_2001, Leman_2015, Nafisinia_2016, Zhang_2021). These data indicate that the variant may be associated with disease. Some of these publications reported experimental evidence evaluating an impact on protein function, and demonstrated decreased complex I protein level, defective assembly and decreased activity in patient derived cells (e.g. Leman_2015, Nafisinia_2016). Two clinical diagnostic laboratories have submitted clinical-significance assessments for this variant to ClinVar after 2014 without evidence for independent evaluation, and classified the variant as pathogenic / likely pathogenic. Based on the evidence outlined above, the variant was classified as likely pathogenic.

Fulgent Genetics
Classification: Pathogenic for Mitochondrial complex I deficiency, nuclear type 1. Last evaluated: 2018-10-31. Review status: criteria provided, single submitter. Criteria: ACMG Guidelines, 2015. Collection method: clinical testing. Allele origin: unknown.

GeneDx
Classification: Likely pathogenic. Last evaluated: 2016-08-25. Review status: criteria provided, single submitter. Criteria: GeneDx Variant Classification (06012015). Collection method: clinical testing. Allele origin: germline. Affected: yes.
Comment: The c.1162+4A>C variant in the NDUFV1 gene has been reported previously opposite of a frameshift variant in the second NDUFV1 allele, in a patient with infantile onset intractable seizures, lactic acidemia, cerebellar ataxia, psychomotor regression, strabismus, ptosis and complex 1 deficiency confirmed in muscle and liver (Benit et al., 2001). This variant reduces the quality of the splice donor site in intron 8, and is expected to cause abnormal gene splicing. The c.1162+4A>C variant was not observed at any significant frequency in approximately 6500 individuals of European and African American ancestry in the NHLBI Exome Sequencing Project, indicating it is not a common benign variant in these populations. Therefore, we interpret c.1162+4A>C as a likely pathogenic variant.

OMIM
Classification: Pathogenic for MITOCHONDRIAL COMPLEX I DEFICIENCY, NUCLEAR TYPE 4. Last evaluated: 2001-06-01. Review status: no assertion criteria provided. Collection method: literature only. Allele origin: germline. Not counted in ClinVar's aggregate classification.

Literature cited by the submitters: PubMed 11349233 (cited by 3 submitters); PubMed 26024641 (cited by Labcorp Genetics (formerly Invitae), Labcorp and Women's Health and Genetics/Laboratory Corporation of America, LabCorp); PubMed 27344648 (cited by Labcorp Genetics (formerly Invitae), Labcorp and Women's Health and Genetics/Laboratory Corporation of America, LabCorp); PubMed 34134969 (cited by Labcorp Genetics (formerly Invitae), Labcorp and Women's Health and Genetics/Laboratory Corporation of America, LabCorp); PubMed 17576681 (cited by Labcorp Genetics (formerly Invitae), Labcorp); PubMed 9536098 (cited by Labcorp Genetics (formerly Invitae), Labcorp); PubMed 25615419 (cited by Women's Health and Genetics/Laboratory Corporation of America, LabCorp); PubMed 31589614 (cited by Women's Health and Genetics/Laboratory Corporation of America, LabCorp); PubMed 11494300 (cited by Women's Health and Genetics/Laboratory Corporation of America, LabCorp).